The following is an entry in ClinVar:

ClinVar aggregate classification (germline): Uncertain significance (1 of 4 stars; one submission).

Submission:

GeneDx
Classification: Uncertain significance. Last evaluated: 2023-07-31. Review status: criteria provided, single submitter. Criteria: GeneDx Variant Classification Process June 2021. Collection method: clinical testing. Allele origin: germline. Affected: yes.
Comment: Not observed at significant frequency in large population cohorts (gnomAD); In silico analysis supports that this missense variant has a deleterious effect on protein structure/function; Has not been previously published as pathogenic or benign to our knowledge

NM_001178015.2(SLC4A10):c.2657A>G (p.Asn886Ser)

Gene: SLC4A10 (solute carrier family 4 member 10; plus strand). Cytogenetic location: 2q24.2.
Variant type: single nucleotide variant.
Coding change: c.2657A>G on transcript NM_001178015.2 (MANE Select); coding-DNA position 2657, A replaced by G.
Protein change: p.Asn886Ser; replaces asparagine 886 with serine.
Molecular consequence: missense variant.
Genome position (GRCh38, 1-based): chr2:161,957,104, A>G. VCF-style: chr2-161957104-A-G. GRCh37 (hg19) VCF-style: chr2-162813614-A-G.
Other names: c.2600A>G, p.Asn867Ser (NM_001178016.2, NM_001354445.2); c.2657A>G, p.Asn886Ser (NM_001354440.2); c.2690A>G, p.Asn897Ser (NM_001354441.2, NM_001354442.2); c.2603A>G, p.Asn868Ser (NM_001354443.2, NM_001354447.2); c.2654A>G, p.Asn885Ser (NM_001354444.2); c.2567A>G, p.Asn856Ser (NM_001354446.2, NM_001354450.2, NM_022058.4); c.2597A>G, p.Asn866Ser (NM_001354448.2); c.2564A>G, p.Asn855Ser (NM_001354449.2, NM_001354451.2); and 3 more; short protein forms N663S, N807S, N855S, N856S, N866S, N867S, N868S, N885S.
Identifiers: ClinVar variation 3361850 (VCV003361850.1).